The following is an entry in ClinVar:

ClinVar aggregate classification (germline): Uncertain significance (1 of 4 stars; one submission).

Submission:

Labcorp Genetics (formerly Invitae), Labcorp
Classification: Uncertain significance. Last evaluated: 2022-12-02. Review status: criteria provided, single submitter. Criteria: Invitae Variant Classification Sherloc (09022015). Collection method: clinical testing. Allele origin: germline.
Comment: This variant, c.1375_1377del, results in the deletion of one amino acid(s) of the SNRNP200 protein (p.Glu459del), but otherwise preserves the integrity of the reading frame. This variant is not present in population databases (gnomAD no frequency). This variant has not been reported in the literature in individuals affected with SNRNP200-related conditions. This variant is also known as c.1376_1377+1del. Algorithms developed to predict the effect of sequence changes on RNA splicing suggest that this variant may disrupt the consensus splice site. This variant disrupts a region of the SNRNP200 protein in which other variant(s) (p.Glu459Val ) have been observed in individuals with SNRNP200-related conditions (PMID: 33576794). This suggests that this is a clinically significant region of the protein, and that variants that disrupt it are likely to be disease-causing. In summary, the available evidence is currently insufficient to determine the role of this variant in disease. Therefore, it has been classified as a Variant of Uncertain Significance.

Literature cited by the submitters: PubMed 33576794.

NM_014014.5(SNRNP200):c.1376_1377+1del

Gene: SNRNP200 (small nuclear ribonucleoprotein U5 subunit 200; minus strand). Cytogenetic location: 2q11.2.
Variant type: Microsatellite.
Coding change: c.1376_1377+1del on transcript NM_014014.5 (MANE Select); coding-DNA position 1376 through the canonical splice donor site of the intron after coding-DNA position 1377, 3 bases deleted (AAG; older notation c.1376_1377+1delAAG).
Molecular consequence: splice donor variant.
Genome position (GRCh38, 1-based): chr2:96,297,362-96,297,364, CTT deleted on the plus strand (AAG on the coding strand, the reverse complement: SNRNP200 is on the minus strand); deleting any 3 consecutive bases within chr2:96,297,362-96,297,369 gives the same sequence; the c. name uses the placement nearest the transcript's 3' end. VCF-style (leftmost placement, unchanged base first): chr2-96297361-ACTT-A. GRCh37 (hg19) VCF-style: chr2-96963099-ACTT-A.
Identifiers: ClinVar variation 2818004 (VCV002818004.3), dbSNP rs2467349765, ClinGen allele CA2739271154.